The following is an entry in ClinVar:

NM_000143.4(FH):c.584T>C (p.Met195Thr)

Gene: FH (fumarate hydratase; minus strand). Cytogenetic location: 1q43.
Variant type: single nucleotide variant.
Coding change: c.584T>C on transcript NM_000143.4 (MANE Select); coding-DNA position 584, T replaced by C.
Protein change: p.Met195Thr; replaces methionine 195 with threonine.
Molecular consequence: missense variant.
Genome position (GRCh38, 1-based): chr1:241,508,757, A>G on the plus strand (T>C on the coding strand, the complement: FH is on the minus strand). VCF-style: chr1-241508757-A-G. GRCh37 (hg19) VCF-style: chr1-241672057-A-G.
Other names: short protein forms M195T.
Identifiers: ClinVar variation 214373 (VCV000214373.18), dbSNP rs863223965, ClinGen allele CA324917.

ClinVar aggregate classification (germline): Pathogenic/Likely pathogenic. Review status: criteria provided, multiple submitters, no conflicts (2 of 4 stars). 6 submissions from 6 submitters: Pathogenic (4); Likely pathogenic (2). Last evaluated 2025-12-28.

Conditions:
FH-related disorder. Also called: FH-related condition; FH-related disorders.
Hereditary cancer-predisposing syndrome. Also called: Neoplastic Syndromes, Hereditary; Tumor predisposition; Hereditary Cancer Syndrome; Hereditary neoplastic syndrome. Identifiers: Orphanet 140162, MedGen C0027672, MeSH D009386, MONDO:0015356.
Hereditary leiomyomatosis and renal cell cancer. Also called: MULTIPLE CUTANEOUS AND UTERINE LEIOMYOMATA 1, WITH OR WITHOUT RENAL CELL CARCINOMA; Reed syndrome; Multiple cutaneous and uterine leiomyomatosis; Cutaneous leiomyomata with uterine leiomyomata; Leiomyoma, hereditary multiple, of skin; Multiple cutaneous and uterine leiomyomata. Identifiers: Orphanet 523, MedGen C1708350, MONDO:0007888, OMIM 150800, HP:0007437. Disease mechanism: loss of function.

Submissions (6):

Labcorp Genetics (formerly Invitae), Labcorp
Classification: Pathogenic. Last evaluated: 2025-12-28. Review status: criteria provided, single submitter. Criteria: Invitae Variant Classification Sherloc (09022015). Collection method: clinical testing. Allele origin: germline.
Comment: This sequence change replaces methionine, which is neutral and non-polar, with threonine, which is neutral and polar, at codon 195 of the FH protein (p.Met195Thr). This variant is not present in population databases (gnomAD no frequency). This missense change has been observed in individuals with uterine fibroids and hereditary leiomyomatosis and renal cell cancer (HLRCC) (PMID: 12772087, 22764886; internal data). This variant is also known as 455T>C (M152T). ClinVar contains an entry for this variant (Variation ID: 214373). Invitae Evidence Modeling of protein sequence and biophysical properties (such as structural, functional, and spatial information, amino acid conservation, physicochemical variation, residue mobility, and thermodynamic stability) indicates that this missense variant is expected to disrupt FH protein function with a positive predictive value of 95%. Experimental studies have shown that this missense change affects FH function (PMID: 22764886). For these reasons, this variant has been classified as Pathogenic.

Ambry Genetics
Classification: Pathogenic for Hereditary cancer-predisposing syndrome. Last evaluated: 2024-04-25. Review status: criteria provided, single submitter. Criteria: Ambry Variant Classification Scheme 2023. Collection method: clinical testing. Allele origin: germline.
Comment: The p.M195T variant (also known as c.584T>C), located in coding exon 5 of the FH gene, results from a T to C substitution at nucleotide position 584. The methionine at codon 195 is replaced by threonine, an amino acid with similar properties. This alteration has been observed in multiple individuals who have a personal and/or family history that is consistent with FH-associated disease (Ambry internal data; Kubinova K et al. J. Obstet. Gynaecol. Res., 2013 Jan;39:410-4; Tolvanen J et al. Hum. Reprod., 2012 Jun;27:1865-9; Yonamine T et al. Urol Case Rep, 2020 May;30:101141; Toro JR et al. Am. J. Hum. Genet., 2003 Jul;73:95-106; Carlo MI et al. JAMA Oncol, 2018 09;4:1228-1235). Another variant at the same codon, p.M195V (c.583A>G), has been observed in individuals with a personal and/or family history that is consistent with FH-associated disease (Ambry internal data; Tolvanen J et al. Hum Reprod, 2012 Jun;27:1865-9). This variant is considered to be rare based on population cohorts in the Genome Aggregation Database (gnomAD). This amino acid position is highly conserved in available vertebrate species. In addition, this alteration is predicted to be deleterious by in silico analysis. Based on the supporting evidence, this variant is interpreted as a disease-causing mutation.

Myriad Genetics, Inc.
Classification: Likely pathogenic for Hereditary leiomyomatosis and renal cell cancer. Last evaluated: 2023-12-21. Review status: criteria provided, single submitter. Criteria: Myriad Autosomal Dominant, Autosomal Recessive and X-Linked Classification Criteria (2023). Collection method: clinical testing. Allele origin: unknown.
Comment: This variant is considered likely pathogenic. This variant has been reported in multiple individuals with clinical features of gene-specific disease [PMID: 22764886, 30171332, 32154112, 12772087]. This variant is expected to disrupt protein structure [Myriad internal data].

Women's Health and Genetics/Laboratory Corporation of America, LabCorp
Classification: Pathogenic for Hereditary leiomyomatosis and renal cell cancer. Last evaluated: 2022-03-16. Review status: criteria provided, single submitter. Criteria: LabCorp Variant Classification Summary - May 2015. Collection method: clinical testing. Allele origin: germline.
Comment: Variant summary: FH c.584T>C (p.Met195Thr) results in a non-conservative amino acid change in the encoded protein sequence. Four of five in-silico tools predict a damaging effect of the variant on protein function. The variant was absent in 251158 control chromosomes. c.584T>C has been reported in the literature in multiple individuals affected with cutaneous leiomyomas, sporadic uterine fibroids, uterine leiomyoma and renal cell cancer, including an affected mother and son (e.g. Toro_2003, Kubinova_2013, Cunha_2018, Yonamine_2020, Zhang_2020). These data indicate that the variant is very likely to be associated with Hereditary Leiomyomatosis And Renal Cell Cancer. Additionally, a variant affecting the same codon has been reported in association with Leiomyomatosis and renal cell cancer (p.Met195Val). Two clinical diagnostic laboratories have submitted clinical-significance assessments for this variant to ClinVar after 2014 without evidence for independent evaluation. All laboratories classified the variant as pathogenic/likely pathogenic. Based on the evidence outlined above, the variant was classified as pathogenic.

Blueprint Genetics
Classification: Pathogenic for FH-related disorders. Last evaluated: 2020-07-22. Review status: criteria provided, single submitter. Criteria: ACMG Guidelines, 2015. Collection method: clinical testing. Allele origin: germline. Affected: yes. Observed: 1 variant allele.

GeneDx
Classification: Likely pathogenic. Last evaluated: 2020-01-28. Review status: criteria provided, single submitter. Criteria: GeneDx Variant Classification Process June 2021. Collection method: clinical testing. Allele origin: germline. Affected: yes.
Comment: In silico analysis, which includes protein predictors and evolutionary conservation, supports a deleterious effect; Not observed in large population cohorts (Lek 2016); This variant is associated with the following publications: (PMID: 16029320, 21445611, 22473397, 12772087, 22764886, 16237213, 30171332, 29978187, 31444830, 28873162)

Literature cited by the submitters: PubMed 12772087 (cited by 4 submitters); PubMed 22764886 (cited by 4 submitters); PubMed 22473397 (cited by Ambry Genetics); PubMed 29978187 (cited by Ambry Genetics); PubMed 30171332 (cited by 3 submitters); PubMed 31444830 (cited by Ambry Genetics and Women's Health and Genetics/Laboratory Corporation of America, LabCorp); PubMed 32154112 (cited by 3 submitters).